The following is an entry in ClinVar:

ClinVar aggregate classification (germline): Conflicting classifications of pathogenicity. Review status: criteria provided, conflicting classifications (1 of 4 stars). 2 submissions from 2 submitters: Pathogenic (1); Uncertain significance (1). Last evaluated 2020-07-01.

Conditions:
Inborn genetic diseases. Identifiers: MedGen C0950123, MeSH D030342.

Submissions (2):

GeneDx
Classification: Pathogenic. Last evaluated: 2020-07-01. Review status: criteria provided, single submitter. Criteria: GeneDx Variant Classification Process June 2021. Collection method: clinical testing. Allele origin: germline. Affected: yes.
Comment: Not observed in large population cohorts (Lek et al., 2016); In silico analysis supports that this missense variant has a deleterious effect on protein structure/function; Has not been previously published as pathogenic or benign to our knowledge; This variant is associated with the following publications: (PMID: 28140668, 16685650, 24281372, 23335590, 15124102, 26180728, 8669441, 15959873, 15166289, 15363810, 16143553, 25486017)

Ambry Genetics
Classification: Uncertain significance for Inborn genetic diseases. Last evaluated: 2017-08-22. Review status: criteria provided, single submitter. Criteria: Ambry exome assertion method (8-5-2015). Collection method: clinical testing. Allele origin: germline. Affected: yes. Observed: 1 variant allele.

Literature cited by the submitters: PubMed 27884935 (cited by Ambry Genetics); PubMed 18627045 (cited by Ambry Genetics).

NM_004429.5(EFNB1):c.325C>G (p.Arg109Gly)

Gene: EFNB1 (ephrin B1; plus strand). Cytogenetic location: Xq13.1.
Variant type: single nucleotide variant.
Coding change: c.325C>G on transcript NM_004429.5 (MANE Select); coding-DNA position 325, C replaced by G.
Protein change: p.Arg109Gly; replaces arginine 109 with glycine.
Molecular consequence: missense variant.
Genome position (GRCh38, 1-based): chrX:68,838,813, C>G. VCF-style: chrX-68838813-C-G. GRCh37 (hg19) VCF-style: chrX-68058656-C-G.
Other names: short protein forms R109G.
Identifiers: ClinVar variation 521958 (VCV000521958.6), dbSNP rs1556106222, ClinGen allele CA413437683.